The following is an entry in ClinVar:

ClinVar aggregate classification (germline): Uncertain significance (1 of 4 stars; one submission).

Submission:

Dasa
Classification: Uncertain significance. Last evaluated: 2024-12-10. Review status: criteria provided, single submitter. Criteria: DASA Assertion Criteria. Collection method: clinical testing. Allele origin: germline.
Comment: NM_015103.3(PLXND1):c.1722-7A>G is a splice-region variant. This variant is absent from population databases. Computational prediction algorithms are consistent with a benign effect. The currently available literature and clinical evidence are not sufficient to establish a definitive association between this variant and the reported condition. Therefore, this variant is classified as a variant of uncertain significance.

NM_015103.3(PLXND1):c.1722-7A>G

Gene: PLXND1 (plexin D1; minus strand). Cytogenetic location: 3q22.1.
Variant type: single nucleotide variant.
Coding change: c.1722-7A>G on transcript NM_015103.3 (MANE Select); 7 bases into the intron before coding-DNA position 1722, A replaced by G.
Molecular consequence: intron variant.
Genome position (GRCh38, 1-based): chr3:129,586,088, T>C on the plus strand (A>G on the coding strand, the complement: PLXND1 is on the minus strand). VCF-style: chr3-129586088-T-C. GRCh37 (hg19) VCF-style: chr3-129304931-T-C.
Identifiers: ClinVar variation 4882124 (VCV004882124.2).
Genomic context (GRCh38, chr3:129,586,088, plus strand): 5'-CTGGTCCAGAAATGCTGCTGGCTGGAATTGGTGCAGTCCTGCTGCAAGGTGCACCTGGGG[T>C]GGCACCGCAGGGTCAGGACCCAGGTCAGCTCCTCCCACCCCCACAGCCCTCCTGGTCCAG-3'